The following is an entry in ClinVar:

ClinVar aggregate classification (germline): Pathogenic (1 of 4 stars; one submission).

Conditions:
Breast-ovarian cancer, familial, susceptibility to, 1 (BROVCA1). Also called: BRCA1 Hereditary Breast and Ovarian Cancer; OVARIAN CANCER, SUSCEPTIBILITY TO. Identifiers: Orphanet 145, MedGen C2676676, MONDO:0011450, OMIM 604370. Disease mechanism: loss of function.

Submission:

Myriad Genetics, Inc.
Classification: Pathogenic for Breast-ovarian cancer, familial, susceptibility to, 1. Last evaluated: 2024-01-16. Review status: criteria provided, single submitter. Criteria: Myriad Autosomal Dominant, Autosomal Recessive and X-Linked Classification Criteria (2023). Collection method: clinical testing. Allele origin: unknown.
Comment: This variant is considered pathogenic. This variant creates a frameshift predicted to result in premature protein truncation.

NM_007294.4(BRCA1):c.2832_2833dup (p.Ser945fs)

Gene: BRCA1 (BRCA1 DNA repair associated; minus strand). Cytogenetic location: 17q21.31.
Variant type: Duplication.
Coding change: c.2832_2833dup on transcript NM_007294.4 (MANE Select); coding-DNA positions 2832 to 2833, 2 bases duplicated (TA; older notation c.2832_2833dupTA).
Protein change: p.Ser945fs; shifts the reading frame from serine 945.
Molecular consequence: frameshift variant. On other transcripts: intron variant (137).
Genome position (GRCh38, 1-based): chr17:43,092,698-43,092,699, TA duplicated on the plus strand (TA on the coding strand, the reverse complement: BRCA1 is on the minus strand). VCF-style (leftmost placement, unchanged base first): chr17-43092697-C-CTA. GRCh37 (hg19) VCF-style: chr17-41244714-C-CTA.
Other names: c.647-1667_647-1666dup (NM_001408466.1, NM_001408452.1, NM_001408457.1 and 11 more transcripts); c.524-1667_524-1666dup (NM_001408497.1, NM_001408496.1, NM_001408499.1 and 3 more transcripts); c.788-1667_788-1666dup (NM_001407973.1, NM_001408403.1, NM_001407983.1 and 17 more transcripts); c.404-1667_404-1666dup (NM_001408511.1); c.521-1667_521-1666dup (NM_001408505.1, NM_001408504.1, NM_001408503.1); c.461-1667_461-1666dup (NM_001408507.1, NM_001408506.1); c.545-1667_545-1666dup (NM_001408495.1); c.662-1667_662-1666dup (NM_001408448.1, NM_001408445.1, NM_001408432.1 and 6 more transcripts); and 41 more; short protein forms S777fs, S817fs, S818fs, S857fs, S833fs, S856fs, S878fs, S897fs.
Identifiers: ClinVar variation 3148677 (VCV003148677.1), dbSNP rs2552182990, ClinGen allele CA2825002533.
Genomic context (GRCh38, chr17:43,092,697, plus strand): 5'-AGTCCAGTTTCGTTGCCTCTGAACTGAGATGATAGACAAAACCTAGAGCCTCCTTTGATA[C>CTA]TACATTTGGCATTATCAACTGGCTTATCTTTCTGACCAACCACAGGAAAGCCTGCAGTGA-3'